The following is an entry in ClinVar:

ClinVar aggregate classification (germline): Conflicting classifications of pathogenicity. Review status: criteria provided, conflicting classifications (1 of 4 stars). 3 submissions from 3 submitters: Uncertain significance (2); Likely benign (1). Last evaluated 2026-08-26.

Conditions:
Hereditary cancer-predisposing syndrome. Also called: Tumor predisposition; Hereditary neoplastic syndrome; Neoplastic Syndromes, Hereditary; Hereditary Cancer Syndrome. Identifiers: Orphanet 140162, MedGen C0027672, MeSH D009386, MONDO:0015356.

Submissions (3):

Ambry Genetics
Classification: Uncertain significance for Hereditary cancer-predisposing syndrome. Last evaluated: 2026-08-26. Review status: criteria provided, single submitter. Criteria: Ambry Variant Classification Scheme 2023. Collection method: clinical testing. Allele origin: germline.
Comment: The p.D1169N variant (also known as c.3505G>A), located in coding exon 9 of the BRCA1 gene, results from a G to A substitution at nucleotide position 3505. The aspartic acid at codon 1169 is replaced by asparagine, an amino acid with highly similar properties. This amino acid position is poorly conserved in available vertebrate species. In addition, this alteration is predicted to be tolerated by in silico analysis. Based on the available evidence, the clinical significance of this variant remains unclear.

University of Washington Department of Laboratory Medicine, University of Washington
Classification: Likely benign for Hereditary cancer-predisposing syndrome. Last evaluated: 2023-03-23. Review status: criteria provided, single submitter. Criteria: Dines et al. (Genet Med. 2020). Collection method: curation. Allele origin: germline.
Comment: Missense variant in a coldspot region where missense variants are very unlikely to be pathogenic (PMID:31911673).

BRCA1 coldspot (exon 11 using historical exon numbering). Reclassification based on statistical prior probability

Color Diagnostics, LLC DBA Color Health
Classification: Uncertain significance for Hereditary cancer-predisposing syndrome. Last evaluated: 2019-09-18. Review status: criteria provided, single submitter. Criteria: ACMG Guidelines, 2015. Collection method: clinical testing. Allele origin: germline.
Comment: This missense variant replaces aspartic acid with asparagine at codon 1169 of the BRCA1 protein. Computational prediction tools and conservation analyses suggest that this variant may not impact protein structure and function. Splice site prediction tools suggest that this variant may not impact RNA splicing. To our knowledge, functional studies have not been performed for this variant. This variant has not been reported in individuals affected with hereditary cancer in the literature. This variant has not been identified in the general population by the Genome Aggregation Database (gnomAD). The available evidence is insufficient to determine the role of this variant in disease conclusively. Therefore, this variant is classified as a Variant of Uncertain Significance.

NM_007294.4(BRCA1):c.3505G>A (p.Asp1169Asn)

Genes: BRCA1 (BRCA1 DNA repair associated; minus strand), LOC126862571 (BRD4-independent group 4 enhancer GRCh37_chr17:41243136-41244335; plus strand). Cytogenetic location: 17q21.31.
Variant type: single nucleotide variant.
Coding change: c.3505G>A on transcript NM_007294.4 (MANE Select); coding-DNA position 3505, G replaced by A.
Protein change: p.Asp1169Asn; replaces aspartic acid 1169 with asparagine.
Molecular consequence: missense variant. On other transcripts: intron variant (135).
Genome position (GRCh38, 1-based): chr17:43,092,026, C>T on the plus strand (G>A on the coding strand, the complement: BRCA1 is on the minus strand). VCF-style: chr17-43092026-C-T. GRCh37 (hg19) VCF-style: chr17-41244043-C-T.
Other names: c.3292G>A, p.Asp1098Asn (NM_001407571.1, NM_001407853.1, NM_001407894.1 and 9 more transcripts); c.3505G>A, p.Asp1169Asn (NM_001407581.1, NM_001407582.1, NM_001407602.1 and 30 more transcripts); c.3502G>A, p.Asp1168Asn (NM_001407610.1, NM_001407611.1, NM_001407612.1 and 22 more transcripts); c.3496G>A, p.Asp1166Asn (NM_001407646.1, NM_001407647.1); c.3382G>A, p.Asp1128Asn (NM_001407648.1, NM_001407664.1, NM_001407665.1 and 19 more transcripts); c.3379G>A, p.Asp1127Asn (NM_001407649.1, NM_001407670.1, NM_001407671.1 and 11 more transcripts); c.3427G>A, p.Asp1143Asn (NM_001407653.1, NM_001407654.1, NM_001407655.1 and 4 more transcripts); c.3424G>A, p.Asp1142Asn (NM_001407659.1, NM_001407660.1, NM_001407661.1 and 1 more transcripts); and 41 more; short protein forms D1122N, D1169N, D1001N, D1042N, D1057N, D1098N, D1166N, D1041N.
Identifiers: ClinVar variation 823862 (VCV000823862.11), dbSNP rs876659269, ClinGen allele CA10594962.